The following is an entry in ClinVar:

ClinVar aggregate classification (germline): Conflicting classifications of pathogenicity. Review status: criteria provided, conflicting classifications (1 of 4 stars). 2 submissions from 2 submitters: Uncertain significance (1); Likely benign (1). Last evaluated 2023-03-23.

Conditions:
Hereditary cancer-predisposing syndrome. Also called: Neoplastic Syndromes, Hereditary; Tumor predisposition; Hereditary Cancer Syndrome; Hereditary neoplastic syndrome. Identifiers: Orphanet 140162, MedGen C0027672, MeSH D009386, MONDO:0015356.

Submissions (2):

University of Washington Department of Laboratory Medicine, University of Washington
Classification: Likely benign for Hereditary cancer-predisposing syndrome. Last evaluated: 2023-03-23. Review status: criteria provided, single submitter. Criteria: Dines et al. (Genet Med. 2020). Collection method: curation. Allele origin: germline.
Comment: Missense variant in a coldspot region where missense variants are very unlikely to be pathogenic (PMID:31911673).

BRCA2 exon 11 coldspot. Reclassification based on statistical prior probability.

Ambry Genetics
Classification: Uncertain significance for Hereditary cancer-predisposing syndrome. Last evaluated: 2021-12-11. Review status: criteria provided, single submitter. Criteria: Ambry Variant Classification Scheme 2023. Collection method: clinical testing. Allele origin: germline.
Comment: The p.S2142Y variant (also known as c.6425C>A), located in coding exon 10 of the BRCA2 gene, results from a C to A substitution at nucleotide position 6425. The serine at codon 2142 is replaced by tyrosine, an amino acid with dissimilar properties. This amino acid position is conserved. In addition, the in silico prediction for this alteration is inconclusive. Since supporting evidence is limited at this time, the clinical significance of this alteration remains unclear.

NM_000059.4(BRCA2):c.6425C>A (p.Ser2142Tyr)

Gene: BRCA2 (BRCA2 DNA repair associated; plus strand). Cytogenetic location: 13q13.1.
Variant type: single nucleotide variant.
Coding change: c.6425C>A on transcript NM_000059.4 (MANE Select); coding-DNA position 6425, C replaced by A.
Protein change: p.Ser2142Tyr; replaces serine 2142 with tyrosine.
Molecular consequence: missense variant.
Genome position (GRCh38, 1-based): chr13:32,340,780, C>A. VCF-style: chr13-32340780-C-A. GRCh37 (hg19) VCF-style: chr13-32914917-C-A.
Other names: c.6425C>A, p.Ser2142Tyr (NM_001406719.1, NM_001406720.1); short protein forms S2142Y.
Identifiers: ClinVar variation 1753451 (VCV001753451.4), dbSNP rs2137527441, ClinGen allele CA387789282.
Genomic context (GRCh38, chr13:32,340,780, plus strand): 5'-TGGAAAAAACCTGCAGTAAAGAATTTAAATTATCAAATAACTTAAATGTTGAAGGTGGTT[C>A]TTCAGAAAATAATCACTCTATTAAAGTTTCTCCATATCTCTCTCAATTTCAACAAGACAA-3'
Protein context (NP_000050.3, residues 2132-2152): LSNNLNVEGG[Ser2142Tyr]SENNHSIKVS